The following is an entry in ClinVar:

ClinVar aggregate classification (germline): Uncertain significance (1 of 4 stars; one submission).

Conditions:
Nephronophthisis 14 (NPHP14). Identifiers: Orphanet 2318, MedGen C3539071, MONDO:0013916, OMIM 614844.

gnomAD v4.1: 1 of 1,614,050 alleles (0.000062%); highest among the groups gnomAD compares: Non-Finnish European, 0.000085%; no homozygotes.

Submission:

Labcorp Genetics (formerly Invitae), Labcorp
Classification: Uncertain significance for Nephronophthisis 14. Last evaluated: 2022-03-08. Review status: criteria provided, single submitter. Criteria: Invitae Variant Classification Sherloc (09022015). Collection method: clinical testing. Allele origin: germline.
Comment: This sequence change replaces arginine, which is basic and polar, with leucine, which is neutral and non-polar, at codon 461 of the ZNF423 protein (p.Arg461Leu). In summary, the available evidence is currently insufficient to determine the role of this variant in disease. Therefore, it has been classified as a Variant of Uncertain Significance. Algorithms developed to predict the effect of missense changes on protein structure and function output the following: SIFT: "Deleterious"; PolyPhen-2: "Benign"; Align-GVGD: "Class C0". The leucine amino acid residue is found in multiple mammalian species, which suggests that this missense change does not adversely affect protein function. This variant has not been reported in the literature in individuals affected with ZNF423-related conditions. This variant is present in population databases (rs200959271, gnomAD 0.0009%).

NM_001379286.1(ZNF423):c.1406G>T (p.Arg469Leu)

Gene: ZNF423 (zinc finger protein 423; minus strand). Cytogenetic location: 16q12.1.
Variant type: single nucleotide variant.
Coding change: c.1406G>T on transcript NM_001379286.1 (MANE Select); coding-DNA position 1406, G replaced by T.
Protein change: p.Arg469Leu; replaces arginine 469 with leucine.
Molecular consequence: missense variant.
Genome position (GRCh38, 1-based): chr16:49,637,770, C>A on the plus strand (G>T on the coding strand, the complement: ZNF423 is on the minus strand). VCF-style: chr16-49637770-C-A. GRCh37 (hg19) VCF-style: chr16-49671681-C-A.
Other names: c.1202G>T, p.Arg401Leu (NM_001271620.2); c.1031G>T, p.Arg344Leu (NM_001330533.2); c.1382G>T, p.Arg461Leu (NM_015069.5); short protein forms R401L, R461L, R469L, R344L.
Identifiers: ClinVar variation 1370237 (VCV001370237.6), dbSNP rs200959271, ClinGen allele CA8046686.
Genomic context (GRCh38, chr16:49,637,770, plus strand): 5'-TGGAAGGCAGAGATGTTGCCAAACTGCATCACAGGGTAGGCATGGTTCTTGTGCAGCTTG[C>A]GAACGTGCTCGTTGAGGTTGTAGAGGGTGGGCATGGAGTCCAGGCAGATCTGACATGTGT-3'
Protein context (NP_001366215.1, residues 459-479): PTLYNLNEHV[Arg469Leu]KLHKNHAYPV